The following is an entry in ClinVar:

ClinVar aggregate classification (germline): Uncertain significance (1 of 4 stars; one submission).

Conditions:
Emery-Dreifuss muscular dystrophy 5, autosomal dominant (EDMD5). Also called: EMERY-DREIFUSS MUSCULAR DYSTROPHY 5. Identifiers: Orphanet 261, MedGen C2751805, MONDO:0013072, OMIM 612999.

Submission:

Labcorp Genetics (formerly Invitae), Labcorp
Classification: Uncertain significance for Emery-Dreifuss muscular dystrophy 5, autosomal dominant. Last evaluated: 2021-07-26. Review status: criteria provided, single submitter. Criteria: Invitae Variant Classification Sherloc (09022015). Collection method: clinical testing. Allele origin: germline.
Comment: In summary, the available evidence is currently insufficient to determine the role of this variant in disease. Therefore, it has been classified as a Variant of Uncertain Significance. Algorithms developed to predict the effect of missense changes on protein structure and function (SIFT, PolyPhen-2, Align-GVGD) all suggest that this variant is likely to be tolerated. This variant has not been reported in the literature in individuals affected with SYNE2-related conditions. This variant is not present in population databases (ExAC no frequency). This sequence change replaces serine with threonine at codon 500 of the SYNE2 protein (p.Ser500Thr). The serine residue is weakly conserved and there is a small physicochemical difference between serine and threonine.

NM_182914.3(SYNE2):c.1498T>A (p.Ser500Thr)

Gene: SYNE2 (spectrin repeat containing nuclear envelope protein 2; plus strand). Cytogenetic location: 14q23.2.
Variant type: single nucleotide variant.
Coding change: c.1498T>A on transcript NM_182914.3 (MANE Select); coding-DNA position 1498, T replaced by A.
Protein change: p.Ser500Thr; replaces serine 500 with threonine.
Molecular consequence: missense variant.
Genome position (GRCh38, 1-based): chr14:63,978,943, T>A. VCF-style: chr14-63978943-T-A. GRCh37 (hg19) VCF-style: chr14-64445661-T-A.
Other names: c.1498T>A, p.Ser500Thr (NM_015180.6); short protein forms S500T.
Identifiers: ClinVar variation 1369834 (VCV001369834.8), dbSNP rs2153471030, ClinGen allele CA389957238.